The following is an entry in ClinVar:

NM_017950.4(CCDC40):c.1468G>A (p.Val490Met)

Gene: CCDC40 (coiled-coil domain 40 molecular ruler complex subunit; plus strand). Cytogenetic location: 17q25.3.
Variant type: single nucleotide variant.
Coding change: c.1468G>A on transcript NM_017950.4 (MANE Select); coding-DNA position 1468, G replaced by A.
Protein change: p.Val490Met; replaces valine 490 with methionine.
Molecular consequence: missense variant.
Genome position (GRCh38, 1-based): chr17:80,065,512, G>A. VCF-style: chr17-80065512-G-A. GRCh37 (hg19) VCF-style: chr17-78039311-G-A.
Other names: c.1468G>A, p.Val490Met (NM_001243342.2, NM_001330508.2); short protein forms V490M.
Identifiers: ClinVar variation 325731 (VCV000325731.18), dbSNP rs200902099, ClinGen allele CA8813854.

ClinVar aggregate classification (germline): Conflicting classifications of pathogenicity. Review status: criteria provided, conflicting classifications (1 of 4 stars). 4 submissions from 4 submitters: Uncertain significance (1); Likely benign (3). Last evaluated 2026-03-09.

Conditions:
Primary ciliary dyskinesia. Also called: Ciliary dyskinesia. Identifiers: Orphanet 244, MedGen C0008780, MONDO:0016575, HP:0012265.
Primary ciliary dyskinesia 15. Also called: CILIARY DYSKINESIA, PRIMARY, 15, WITH OR WITHOUT SITUS INVERSUS. Identifiers: Orphanet 244, MedGen C3151137, MONDO:0013435, OMIM 613808.
CCDC40-related disorder. Also called: CCDC40-related condition.

Allele frequency attached by ClinVar (database versions not stated): ESP Exome Variant Server 0.00008; gnomAD 0.00009; TOPMed 0.00011.
gnomAD v4.1: 203 of 1,612,990 alleles (0.013%); highest among the groups gnomAD compares: Admixed American, 0.023%; no homozygotes.

Submissions (4):

PreventionGenetics, part of Exact Sciences
Classification: Likely benign for CCDC40-related condition. Last evaluated: 2026-03-09. Review status: criteria provided, single submitter. Criteria: ACMG Guidelines, 2015. Collection method: clinical testing. Allele origin: germline.
Comment: This variant is classified as likely benign based on ACMG/AMP sequence variant interpretation guidelines (Richards et al. 2015 PMID: 25741868, with internal and published modifications).

Labcorp Genetics (formerly Invitae), Labcorp
Classification: Likely benign for Primary ciliary dyskinesia. Last evaluated: 2025-11-18. Review status: criteria provided, single submitter. Criteria: Invitae Variant Classification Sherloc (09022015). Collection method: clinical testing. Allele origin: germline.

Ambry Genetics
Classification: Likely benign for Primary ciliary dyskinesia. Last evaluated: 2022-10-26. Review status: criteria provided, single submitter. Criteria: Ambry Variant Classification Scheme 2023. Collection method: clinical testing. Allele origin: germline.

Illumina Laboratory Services, Illumina
Classification: Uncertain significance for Primary ciliary dyskinesia 15. Last evaluated: 2018-01-13. Review status: criteria provided, single submitter. Criteria: ICSL Variant Classification Criteria 13 December 2019. Collection method: clinical testing. Allele origin: germline.